The following is an entry in ClinVar:

NM_022124.6(CDH23):c.489del (p.Gly165fs)

Gene: CDH23 (cadherin related 23; plus strand). Cytogenetic location: 10q22.1.
Variant type: Deletion.
Coding change: c.489del on transcript NM_022124.6 (MANE Select); coding-DNA position 489, one base deleted (A; older notation c.489delA).
Protein change: p.Gly165fs; shifts the reading frame from glycine 165.
Molecular consequence: frameshift variant.
Genome position (GRCh38, 1-based): chr10:71,566,801, A deleted. VCF-style (leftmost placement, unchanged base first): chr10-71566800-CA-C. GRCh37 (hg19) VCF-style: chr10-73326557-CA-C.
Other names: c.489del (NM_022124.5); c.489del, p.Gly165fs (NM_001171930.2, NM_001171931.2, NM_001171932.2 and 1 more transcripts); short protein forms G165fs.
Identifiers: ClinVar variation 2680485 (VCV002680485.5), dbSNP rs1313316497, ClinGen allele CA668104972.
Genomic context (GRCh38, chr10:71,566,800, plus strand): 5'-AGAATACACCAGTGGGGACGCCCATCTTCATCGTGAATGCCACAGACCCCGACTTGGGGG[CA>C]GGGGGCAGCGTCCTCTACTCCTTCCAGCCCCCCTCCCAATTCTTCGCCATTGACAGCGCC-3'

ClinVar aggregate classification (germline): Pathogenic/Likely pathogenic. Review status: criteria provided, multiple submitters, no conflicts (2 of 4 stars). 3 submissions from 3 submitters: Pathogenic (2); Likely pathogenic (1). Last evaluated 2025-01-17.

Conditions:
Pituitary adenoma 5, multiple types. Identifiers: MedGen C4539685, MONDO:0054601, OMIM 617540.

Allele frequency attached by ClinVar (database versions not stated): gnomAD 0.00001; TOPMed 0.00001.

Submissions (3):

GeneDx
Classification: Pathogenic. Last evaluated: 2025-01-17. Review status: criteria provided, single submitter. Criteria: GeneDx Variant Classification Process June 2021. Collection method: clinical testing. Allele origin: germline. Affected: yes.
Comment: Frameshift variant predicted to result in protein truncation or nonsense mediated decay in a gene for which loss of function is a known mechanism of disease; Not observed at significant frequency in large population cohorts (gnomAD); This variant is associated with the following publications: (PMID: 31138263)

Labcorp Genetics (formerly Invitae), Labcorp
Classification: Pathogenic. Last evaluated: 2023-06-09. Review status: criteria provided, single submitter. Criteria: Invitae Variant Classification Sherloc (09022015). Collection method: clinical testing. Allele origin: germline.
Comment: This sequence change creates a premature translational stop signal (p.Gly165Alafs*25) in the CDH23 gene. It is expected to result in an absent or disrupted protein product. Loss-of-function variants in CDH23 are known to be pathogenic (PMID: 11138009, 21940737). For these reasons, this variant has been classified as Pathogenic. This premature translational stop signal has been observed in individual(s) with deafness (PMID: 31138263). This variant is not present in population databases (gnomAD no frequency).

Baylor Genetics
Classification: Likely pathogenic for Pituitary adenoma 5, multiple types. Last evaluated: 2023-05-03. Review status: criteria provided, single submitter. Criteria: ACMG Guidelines, 2015. Collection method: clinical testing. Allele origin: unknown.

Literature cited by the submitters: PubMed 11138009 (cited by Labcorp Genetics (formerly Invitae), Labcorp); PubMed 21940737 (cited by Labcorp Genetics (formerly Invitae), Labcorp); PubMed 31138263 (cited by Labcorp Genetics (formerly Invitae), Labcorp).